The following is an entry in ClinVar:

ClinVar aggregate classification (germline): Benign. Review status: criteria provided, single submitter (1 of 4 stars). 2 submissions from 1 submitter: Benign (2). Last evaluated 2018-03-26.

Conditions:
Alternating hemiplegia of childhood 1 (AHC1). Identifiers: Orphanet 2131, MedGen C3549447, MONDO:0007087, OMIM 104290.
Migraine, familial hemiplegic, 2. Identifiers: Orphanet 569, MedGen C1865322, MONDO:0011232, OMIM 602481.

Allele frequency attached by ClinVar (database versions not stated): gnomAD exomes 0.00030; 1000 Genomes Project 0.00060; 1000 Genomes Project 30x 0.00062; gnomAD 0.00089 and 0.00097; TOPMed 0.00104.

Submissions (2):

Illumina Laboratory Services, Illumina
Classification: Benign for Migraine, familial hemiplegic, 2. Last evaluated: 2018-03-26. Review status: criteria provided, single submitter. Criteria: ICSL Variant Classification Criteria 13 December 2019. Collection method: clinical testing. Allele origin: germline.
Comment: This variant was observed in the ICSL laboratory as part of a predisposition screen in an ostensibly healthy population. It had not been previously curated by ICSL or reported in the Human Gene Mutation Database (HGMD: prior to June 1st, 2018), and was therefore a candidate for classification through an automated scoring system. Utilizing variant allele frequency, disease prevalence and penetrance estimates, and inheritance mode, an automated score was calculated to assess if this variant is too frequent to cause the disease. Based on the score and internal cut-off values, a variant classified as benign is not then subjected to further curation. The score for this variant resulted in a classification of benign for this disease.

Illumina Laboratory Services, Illumina
Classification: Benign for Alternating hemiplegia of childhood 1. Last evaluated: 2018-03-26. Review status: criteria provided, single submitter. Criteria: ICSL Variant Classification Criteria 13 December 2019. Collection method: clinical testing. Allele origin: germline.
Comment: the same text as in the submission from Illumina Laboratory Services, Illumina above.

NM_000702.4(ATP1A2):c.*482A>C

Gene: ATP1A2 (ATPase Na+/K+ transporting subunit alpha 2; plus strand). Cytogenetic location: 1q23.2.
Variant type: single nucleotide variant.
Coding change: c.*482A>C on transcript NM_000702.4 (MANE Select); 482 bases downstream of the stop codon, A replaced by C.
Molecular consequence: 3 prime UTR variant.
Genome position (GRCh38, 1-based): chr1:160,141,804, A>C. VCF-style: chr1-160141804-A-C. GRCh37 (hg19) VCF-style: chr1-160111594-A-C.
Identifiers: ClinVar variation 874859 (VCV000874859.4), dbSNP rs373029091, ClinGen allele CA31507393.